The following is an entry in ClinVar:

NM_007294.4(BRCA1):c.43A>C (p.Ile15Leu)

Gene: BRCA1 (BRCA1 DNA repair associated; minus strand). Cytogenetic location: 17q21.31.
Variant type: single nucleotide variant.
Coding change: c.43A>C on transcript NM_007294.4 (MANE Select); coding-DNA position 43, A replaced by C.
Protein change: p.Ile15Leu; replaces isoleucine 15 with leucine.
Molecular consequence: missense variant. On other transcripts: 5 prime UTR variant (1), non-coding transcript variant (1).
Genome position (GRCh38, 1-based): chr17:43,124,054, T>G on the plus strand (A>C on the coding strand, the complement: BRCA1 is on the minus strand). VCF-style: chr17-43124054-T-G. GRCh37 (hg19) VCF-style: chr17-41276071-T-G.
Other names: c.43A>C (NM_007294.3); c.43A>C, p.Ile15Leu (NM_001407676.1, NM_001407677.1, NM_001407678.1 and 193 more transcripts); c.-215A>C (NM_001407694.1, NM_001407724.1, NM_001407727.1 and 11 more transcripts); c.-219A>C (NM_001407695.1, NM_001408465.1); c.-360A>C (NM_001407696.1); c.-244A>C (NM_001407697.1, NM_001407846.1, NM_001407920.1); c.-45A>C (NM_001407698.1, NM_001407732.1, NM_001407736.1 and 23 more transcripts); c.-218A>C (NM_001407725.1, NM_001407730.1, NM_001407734.1 and 22 more transcripts); and 9 more; short protein forms I15L.
Identifiers: ClinVar variation 55192 (VCV000055192.25), dbSNP rs80357031, ClinGen allele CA002823.

ClinVar aggregate classification (germline): Conflicting classifications of pathogenicity. Review status: criteria provided, conflicting classifications (1 of 4 stars). 7 submissions from 7 submitters: Uncertain significance (2); Likely benign (3). 2 of the submissions do not count toward it. Last evaluated 2025-11-25.

Conditions:
Hereditary breast ovarian cancer syndrome. Also called: BRCA1- and BRCA2-Associated Hereditary Breast and Ovarian Cancer; Hereditary breast and ovarian cancer syndrome; Hereditary breast and ovarian cancer syndrome (HBOC); Breast and ovarian cancer; Hereditary breast and/or ovarian cancer syndrome; Hereditary breast and ovarian cancer. Identifiers: Orphanet 145, MedGen C0677776, MeSH D061325, MONDO:0003582. Disease mechanism: loss of function.
Breast-ovarian cancer, familial, susceptibility to, 1 (BROVCA1). Also called: BRCA1 Hereditary Breast and Ovarian Cancer; OVARIAN CANCER, SUSCEPTIBILITY TO. Identifiers: Orphanet 145, MedGen C2676676, MONDO:0011450, OMIM 604370. Disease mechanism: loss of function.
Hereditary cancer-predisposing syndrome. Also called: Hereditary Cancer Syndrome; Hereditary neoplastic syndrome; Neoplastic Syndromes, Hereditary; Tumor predisposition. Identifiers: Orphanet 140162, MedGen C0027672, MeSH D009386, MONDO:0015356.

Allele frequency attached by ClinVar (database versions not stated): gnomAD 0.00001; TOPMed below 0.00001.
gnomAD v4.1: 5 of 1,613,814 alleles (0.00031%); highest among the groups gnomAD compares: African/African-American, 0.0027%; no homozygotes.

Submissions (8):

Labcorp Genetics (formerly Invitae), Labcorp
Classification: Likely benign for Hereditary breast ovarian cancer syndrome. Last evaluated: 2025-11-25. Review status: criteria provided, single submitter. Criteria: Invitae Variant Classification Sherloc (09022015). Collection method: clinical testing. Allele origin: germline.

Broad Center for Mendelian Genomics, Broad Institute of MIT and Harvard
Classification: Uncertain significance. Last evaluated: 2020-01-22. Review status: criteria provided, single submitter. Criteria: ACMG Guidelines, 2015. Collection method: curation. Allele origin: germline.
Comment: Although this variant has been seen in the general population, its frequency is low enough to be consistent with a dominant frequency for a disease also present in the general population. Please note that for diseases with clinical variability, or reduced penetrance, pathogenic variants may be present at a low frequency in the general population. This variant has also been reported as a VUS and a likely benign variant in ClinVar (Variation ID: 55192). In vitro functional studies provide some evidence that the p.Ile15Leu variant may not impact protein function (PMID: 16403807). However, these types of assays may not accurately represent biological function. Computational prediction tools and conservation analyses do not provide strong support for or against an impact to the protein. The Isoleucine (Ile) at position 15 is not highly conserved in mammals and evolutionary distant species, and 47 species carry a Leucine (Leu), raising the possibility at this position may be tolerated. Two additional variants, resulting in a different amino acid change at the same position, p.Ile15Thr and p.Ile15Leu, have been reported as a VUS in association with disease in ClinVar (Variation ID: 55217, 55192). In summary, while there is some suspicion for a pathogenic role, the clinical significance of this variant is uncertain. ACMG/AMP Criteria applied: PM2, PS4_Supporting, BS3_Supporting (Richards 2015).

Baylor Genetics
Classification: Uncertain significance for Breast-ovarian cancer, familial, susceptibility to, 1. Last evaluated: 2019-03-21. Review status: criteria provided, single submitter. Criteria: ACMG Guidelines, 2015. Collection method: clinical testing. Allele origin: maternal. Affected: yes. Study: CSER-TexasKidsCanSeq.
Comment: This variant was determined to be of uncertain significance according to ACMG Guidelines, 2015 [PMID:25741868].

Ambry Genetics
Classification: Likely benign for Hereditary cancer-predisposing syndrome. Last evaluated: 2018-08-31. Review status: criteria provided, single submitter. Criteria: Ambry Variant Classification Scheme 2023. Collection method: clinical testing. Allele origin: germline.

Color Diagnostics, LLC DBA Color Health
Classification: Likely benign for Hereditary cancer-predisposing syndrome. Last evaluated: 2017-10-10. Review status: criteria provided, single submitter. Criteria: ACMG Guidelines, 2015. Collection method: clinical testing. Allele origin: germline.

Counsyl
Classification: Uncertain significance for Breast-ovarian cancer, familial, susceptibility to, 1. Last evaluated: 2017-05-24. Review status: no assertion criteria provided. Collection method: clinical testing. Allele origin: unknown. Not counted in ClinVar's aggregate classification.

Breast Cancer Information Core (BIC) (BRCA1)
Classification: Uncertain significance for Breast-ovarian cancer, familial 1. Last evaluated: 2002-06-20. Review status: no assertion criteria provided. Collection method: clinical testing. Allele origin: germline. Affected: yes. Observed: 1 variant allele. Not counted in ClinVar's aggregate classification.

Brotman Baty Institute, University of Washington
No classification provided (evidence only). Condition: Breast-ovarian cancer, familial 1. Review status: no classification provided. Collection method: in vitro. Allele origin: not applicable. Functional consequence: functionally_normal. Not counted in ClinVar's aggregate classification.
ClinVar note: "not provided" was previously submitted as the classification for the variant. However, the classification appeared to be based only on an observation of functional data so it was converted to no classification on 2025-07-30.

Literature cited by the submitters: PubMed 22684231 (cited by Broad Center for Mendelian Genomics, Broad Institute of MIT and Harvard and Counsyl); PubMed 27449771 (cited by Broad Center for Mendelian Genomics, Broad Institute of MIT and Harvard and Counsyl); PubMed 16403807 (cited by 3 submitters); PubMed 15235020 (cited by Broad Center for Mendelian Genomics, Broad Institute of MIT and Harvard and Counsyl); PubMed 21918854 (cited by Broad Center for Mendelian Genomics, Broad Institute of MIT and Harvard and Counsyl); PubMed 21523855 (cited by Counsyl); PubMed 25823446 (cited by Counsyl).